The following is an entry in ClinVar:

ClinVar aggregate classification (germline): Uncertain significance (1 of 4 stars; one submission).

Conditions:
Immunodeficiency, common variable, 7. Identifiers: Orphanet 1572, Orphanet 696894, MedGen C3542922, MONDO:0013862, OMIM 614699.

gnomAD v4.1: 1 of 1,613,002 alleles (0.000062%); highest among the groups gnomAD compares: Non-Finnish European, 0.000085%; no homozygotes.

Submission:

Labcorp Genetics (formerly Invitae), Labcorp
Classification: Uncertain significance for Immunodeficiency, common variable, 7. Last evaluated: 2023-11-21. Review status: criteria provided, single submitter. Criteria: Invitae Variant Classification Sherloc (09022015). Collection method: clinical testing. Allele origin: germline.
Comment: This sequence change replaces tryptophan, which is neutral and slightly polar, with leucine, which is neutral and non-polar, at codon 766 of the CR2 protein (p.Trp766Leu). This variant is not present in population databases (gnomAD no frequency). This variant has not been reported in the literature in individuals affected with CR2-related conditions. ClinVar contains an entry for this variant (Variation ID: 1508546). An algorithm developed to predict the effect of missense changes on protein structure and function (PolyPhen-2) suggests that this variant is likely to be disruptive. In summary, the available evidence is currently insufficient to determine the role of this variant in disease. Therefore, it has been classified as a Variant of Uncertain Significance.

NM_001006658.3(CR2):c.2297G>T (p.Trp766Leu)

Gene: CR2 (complement C3d receptor 2; plus strand). Cytogenetic location: 1q32.2.
Variant type: single nucleotide variant.
Coding change: c.2297G>T on transcript NM_001006658.3 (MANE Select); coding-DNA position 2297, G replaced by T.
Protein change: p.Trp766Leu; replaces tryptophan 766 with leucine.
Molecular consequence: missense variant.
Genome position (GRCh38, 1-based): chr1:207,474,297, G>T. VCF-style: chr1-207474297-G-T. GRCh37 (hg19) VCF-style: chr1-207647642-G-T.
Other names: c.2120G>T, p.Trp707Leu (NM_001877.5); short protein forms W766L, W707L.
Identifiers: ClinVar variation 1508546 (VCV001508546.6), dbSNP rs398122863, ClinGen allele CA344536769.